The following is an entry in ClinVar:

ClinVar aggregate classification (germline): Pathogenic/Likely pathogenic. Review status: criteria provided, multiple submitters, no conflicts (2 of 4 stars). 2 submissions from 2 submitters: Pathogenic (1); Likely pathogenic (1). Last evaluated 2023-05-17.

Conditions:
AXIN2-related attenuated familial adenomatous polyposis. Identifiers: Orphanet 401911, MedGen C5680012, MONDO:0018426.
Oligodontia-cancer predisposition syndrome. Also called: TOOTH AGENESIS-COLORECTAL CANCER SYNDROME. Identifiers: Orphanet 300576, MedGen C1837750, MONDO:0012075, OMIM 608615. Disease mechanism: loss of function.

Submissions (2):

Myriad Genetics, Inc.
Classification: Pathogenic for Oligodontia-cancer predisposition syndrome. Last evaluated: 2023-05-17. Review status: criteria provided, single submitter. Criteria: Myriad Autosomal Dominant, Autosomal Recessive and X-Linked Classification Criteria (2023). Collection method: clinical testing. Allele origin: unknown.
Comment: This variant is considered pathogenic. This variant creates a frameshift predicted to result in premature protein truncation.

Centre de Biologie Pathologie Génétique, Centre Hospitalier Universitaire de Lille
Classification: Likely pathogenic for AXIN2-related attenuated familial adenomatous polyposis. Last evaluated: 2021-02-01. Review status: criteria provided, single submitter. Criteria: ACMG Guidelines, 2015. Collection method: clinical testing. Allele origin: germline. Affected: yes.

NM_004655.4(AXIN2):c.2062_2063del (p.Leu688fs)

Gene: AXIN2 (axin 2; minus strand). Cytogenetic location: 17q24.1.
Variant type: Deletion.
Coding change: c.2062_2063del on transcript NM_004655.4 (MANE Select); coding-DNA positions 2062 to 2063, 2 bases deleted (CT; older notation c.2062_2063delCT).
Protein change: p.Leu688fs; shifts the reading frame from leucine 688.
Molecular consequence: frameshift variant.
Genome position (GRCh38, 1-based): chr17:65,536,398-65,536,399, AG deleted on the plus strand (CT on the coding strand, the reverse complement: AXIN2 is on the minus strand). VCF-style (leftmost placement, unchanged base first): chr17-65536397-CAG-C. GRCh37 (hg19) VCF-style: chr17-63532515-CAG-C.
Other names: c.1867_1868del, p.Leu623fs (NM_001363813.1); short protein forms L623fs, L688fs.
Identifiers: ClinVar variation 1027574 (VCV001027574.3), dbSNP rs2144440630, ClinGen allele CA2499224843.